The following is an entry in ClinVar:

ClinVar aggregate classification (germline): Likely pathogenic. Review status: criteria provided, single submitter (1 of 4 stars). 2 submissions from 2 submitters: Likely pathogenic (1). 1 of the submissions does not count toward it. Last evaluated 2023-01-13.

Conditions:
LAMA2-related muscular dystrophy (LAMA2-RD). Also called: Laminin alpha 2-related dystrophy. Identifiers: MedGen C5679788, MONDO:0100228.
Merosin deficient congenital muscular dystrophy (MDC1A). Also called: Congenital Muscular Dystrophy Type 1A (MDC1A); Congenital merosin-deficient muscular dystrophy 1A. Identifiers: Orphanet 258, MedGen C1263858, MONDO:0011925, OMIM 607855.

Submissions (2):

Labcorp Genetics (formerly Invitae), Labcorp
Classification: Likely pathogenic for LAMA2-related muscular dystrophy. Last evaluated: 2023-01-13. Review status: criteria provided, single submitter. Criteria: Invitae Variant Classification Sherloc (09022015). Collection method: clinical testing. Allele origin: germline.
Comment: Algorithms developed to predict the effect of sequence changes on RNA splicing suggest that this variant may disrupt the consensus splice site. ClinVar contains an entry for this variant (Variation ID: 553526). In summary, the currently available evidence indicates that the variant is pathogenic, but additional data are needed to prove that conclusively. Therefore, this variant has been classified as Likely Pathogenic. This variant has not been reported in the literature in individuals affected with LAMA2-related conditions. This variant is not present in population databases (gnomAD no frequency). This sequence change affects an acceptor splice site in intron 16 of the LAMA2 gene. It is expected to disrupt RNA splicing. Variants that disrupt the donor or acceptor splice site typically lead to a loss of protein function (PMID: 16199547), and loss-of-function variants in LAMA2 are known to be pathogenic (PMID: 18700894, 32904964).

Counsyl
Classification: Likely pathogenic for Merosin deficient congenital muscular dystrophy. Last evaluated: 2017-08-22. Review status: no assertion criteria provided. Collection method: clinical testing. Allele origin: unknown. Not counted in ClinVar's aggregate classification.

Literature cited by the submitters: PubMed 16199547 (cited by Labcorp Genetics (formerly Invitae), Labcorp); PubMed 18700894 (cited by Labcorp Genetics (formerly Invitae), Labcorp); PubMed 32904964 (cited by Labcorp Genetics (formerly Invitae), Labcorp).

NM_000426.4(LAMA2):c.2323-1G>A

Gene: LAMA2 (laminin subunit alpha 2; plus strand). Cytogenetic location: 6q22.33.
Variant type: single nucleotide variant.
Coding change: c.2323-1G>A on transcript NM_000426.4 (MANE Select); the canonical splice acceptor site of the intron before coding-DNA position 2323, G replaced by A.
Molecular consequence: splice acceptor variant.
Genome position (GRCh38, 1-based): chr6:129,270,623, G>A. VCF-style: chr6-129270623-G-A. GRCh37 (hg19) VCF-style: chr6-129591768-G-A.
Other names: c.2323-1G>A (NM_001079823.2).
Identifiers: ClinVar variation 553526 (VCV000553526.5), dbSNP rs1278823424, ClinGen allele CA365608973.